The following is an entry in ClinVar:

ClinVar aggregate classification (germline): Conflicting classifications of pathogenicity. Review status: criteria provided, conflicting classifications (1 of 4 stars). 2 submissions from 2 submitters: Uncertain significance (1); Likely benign (1). Last evaluated 2023-01-24.

Conditions:
Angelman syndrome-like. Identifiers: MedGen CN128785.
Developmental and epileptic encephalopathy, 2 (DEE2). Also called: INFANTILE SPASM SYNDROME, X-LINKED 2; CDKL5 deficiency disorder. Identifiers: Orphanet 1934, Orphanet 3451, Orphanet 505652, MedGen C4750718, MONDO:0010396, OMIM 300672.

Allele frequency attached by ClinVar (database versions not stated): TOPMed below 0.00001; gnomAD 0.00001.
gnomAD v4.1: 1 of 1,210,256 alleles (0.000083%); highest among the groups gnomAD compares: African/African-American, 0.0017%; no homozygotes.

Submissions (2):

Labcorp Genetics (formerly Invitae), Labcorp
Classification: Likely benign for Developmental and epileptic encephalopathy, 2; Angelman syndrome-like. Last evaluated: 2023-01-24. Review status: criteria provided, single submitter. Criteria: Invitae Variant Classification Sherloc (09022015). Collection method: clinical testing. Allele origin: germline.

GeneDx
Classification: Uncertain significance. Last evaluated: 2016-04-04. Review status: criteria provided, single submitter. Criteria: GeneDx Variant Classification (06012015). Collection method: clinical testing. Allele origin: germline. Affected: yes.
Comment: A variant of uncertain significance has been identified in the CDKL5 gene. The P961A variant has not been published as a pathogenic variant, nor has it been reported as a benign variant to our knowledge. It was not observed in approximately 6,500 individuals of European and African American ancestry in the NHLBI Exome Sequencing Project, indicating it is not a common benign variant in these populations. The P961A variant is a semi-conservative amino acid substitution, which may impact secondary protein structure as these residues differ in some properties. However, this substitution occurs at a position that is not conserved, and in silico analysis is inconsistent in its predictions as to whether or not the variant is damaging to the protein structure/function. Therefore, based on the currently available information, it is unclear whether this variant is a pathogenic variant or a rare benign variant.

NM_003159.3(CDKL5):c.2881C>G (p.Pro961Ala)

Genes: CDKL5 (cyclin dependent kinase like 5; plus strand), RS1 (retinoschisin 1; minus strand). Cytogenetic location: Xp22.13.
Variant type: single nucleotide variant.
Coding change: c.2881C>G on transcript NM_003159.3; coding-DNA position 2881, C replaced by G.
Protein change: p.Pro961Ala; replaces proline 961 with alanine.
Molecular consequence: missense variant. On other transcripts: intron variant (1).
Genome position (GRCh38, 1-based): chrX:18,650,493, C>G. VCF-style: chrX-18650493-C-G. GRCh37 (hg19) VCF-style: chrX-18668613-C-G.
Other names: c.2881C>G, p.Pro961Ala (NM_001037343.2); c.185-3161G>C (NM_000330.4); short protein forms P961A.
Identifiers: ClinVar variation 420737 (VCV000420737.7), dbSNP rs1064794669, ClinGen allele CA16621287.